The following is an entry in ClinVar:

NM_000051.4(ATM):c.7588A>G (p.Lys2530Glu)

Genes: ATM (ATM serine/threonine kinase; plus strand), C11orf65 (chromosome 11 open reading frame 65; minus strand). Cytogenetic location: 11q22.3.
Variant type: single nucleotide variant.
Coding change: c.7588A>G on transcript NM_000051.4 (MANE Select); coding-DNA position 7588, A replaced by G.
Protein change: p.Lys2530Glu; replaces lysine 2530 with glutamic acid.
Molecular consequence: missense variant. On other transcripts: non-coding transcript variant (1), intron variant (2).
Genome position (GRCh38, 1-based): chr11:108,331,516, A>G. VCF-style: chr11-108331516-A-G. GRCh37 (hg19) VCF-style: chr11-108202243-A-G.
Other names: c.7588A>G, p.Lys2530Glu (NM_001351834.2); c.641-22445T>C (NM_001330368.2); c.*38+3704T>C (NM_001351110.2); short protein forms K2530E.
Identifiers: ClinVar variation 948968 (VCV000948968.19), dbSNP rs2086231222, ClinGen allele CA382560786.
Genomic context (GRCh38, chr11:108,331,516, plus strand): 5'-AAGATTCCAACATATAAATTTTTGCCTCTTATGTACCAATTGGCTGCTAGAATGGGGACC[A>G]AGATGATGGGAGGCCTAGGATTTCATGAAGTCCTCAATAATGTAAGTAAACCTGAAAATC-3'
Protein context (NP_000042.3, residues 2520-2540): MYQLAARMGT[Lys2530Glu]MMGGLGFHEV

ClinVar aggregate classification (germline): Uncertain significance. Review status: criteria provided, multiple submitters, no conflicts (2 of 4 stars). 3 submissions from 3 submitters: Uncertain significance (2). 1 of the submissions does not count toward it. Last evaluated 2025-03-20.

Conditions:
Hereditary cancer-predisposing syndrome. Also called: Tumor predisposition; Neoplastic Syndromes, Hereditary; Hereditary neoplastic syndrome; Hereditary Cancer Syndrome. Identifiers: Orphanet 140162, MedGen C0027672, MeSH D009386, MONDO:0015356.
Ataxia-telangiectasia syndrome (AT). Also called: Ataxia-telangiectasia, complementation group D; AT, COMPLEMENTATION GROUP C; ATAXIA-TELANGIECTASIA, COMPLEMENTATION GROUP A; ATAXIA-TELANGIECTASIA, FRESNO VARIANT; Ataxia-telangiectasia; Ataxia telangiectasia (A-T). Identifiers: Orphanet 100, MedGen C0004135, MONDO:0008840, OMIM 208900.

Submissions (3):

Labcorp Genetics (formerly Invitae), Labcorp
Classification: Uncertain significance for Ataxia-telangiectasia syndrome. Last evaluated: 2025-03-20. Review status: criteria provided, single submitter. Criteria: Invitae Variant Classification Sherloc (09022015). Collection method: clinical testing. Allele origin: germline.
Comment: This sequence change replaces lysine, which is basic and polar, with glutamic acid, which is acidic and polar, at codon 2530 of the ATM protein (p.Lys2530Glu). This variant is not present in population databases (gnomAD no frequency). This variant has not been reported in the literature in individuals affected with ATM-related conditions. ClinVar contains an entry for this variant (Variation ID: 948968). Invitae Evidence Modeling of protein sequence and biophysical properties (such as structural, functional, and spatial information, amino acid conservation, physicochemical variation, residue mobility, and thermodynamic stability) has been performed for this missense variant. However, the output from this modeling did not meet the statistical confidence thresholds required to predict the impact of this variant on ATM protein function. In summary, the available evidence is currently insufficient to determine the role of this variant in disease. Therefore, it has been classified as a Variant of Uncertain Significance.

Ambry Genetics
Classification: Uncertain significance for Hereditary cancer-predisposing syndrome. Last evaluated: 2024-11-12. Review status: criteria provided, single submitter. Criteria: Ambry Variant Classification Scheme 2023. Collection method: clinical testing. Allele origin: germline.
Comment: The p.K2530E variant (also known as c.7588A>G), located in coding exon 50 of the ATM gene, results from an A to G substitution at nucleotide position 7588. The lysine at codon 2530 is replaced by glutamic acid, an amino acid with similar properties. This amino acid position is conserved. In addition, this alteration is predicted to be deleterious by in silico analysis. Based on the available evidence, the clinical significance of this variant remains unclear.

Natera, Inc.
Classification: Uncertain significance for Ataxia-telangiectasia. Last evaluated: 2020-02-14. Review status: no assertion criteria provided. Collection method: clinical testing. Allele origin: germline. Not counted in ClinVar's aggregate classification.